The following is an entry in ClinVar:

NM_000552.5(VWF):c.3389G>A (p.Cys1130Tyr)

Gene: VWF (von Willebrand factor; minus strand). Cytogenetic location: 12p13.31.
Variant type: single nucleotide variant.
Coding change: c.3389G>A on transcript NM_000552.5 (MANE Select); coding-DNA position 3389, G replaced by A.
Protein change: p.Cys1130Tyr; replaces cysteine 1130 with tyrosine.
Molecular consequence: missense variant.
Genome position (GRCh38, 1-based): chr12:6,022,889, C>T on the plus strand (G>A on the coding strand, the complement: VWF is on the minus strand). VCF-style: chr12-6022889-C-T. GRCh37 (hg19) VCF-style: chr12-6132055-C-T.
Other names: p.C1130Y; p.Cys1130Tyr; c.3389G>A (NM_000552.3, NM_000552.4); short protein forms C1130Y.
Identifiers: ClinVar variation 1684001 (VCV001684001.3), dbSNP rs267607324, ClinGen allele CA383511568.

ClinVar aggregate classification (germline): Likely pathogenic. Review status: criteria provided, multiple submitters, no conflicts (2 of 4 stars). 3 submissions from 3 submitters: Likely pathogenic (2). 1 of the submissions does not count toward it. Last evaluated 2025-11-17.

Conditions:
von Willebrand disease type 2 (VWD2). Also called: VON WILLEBRAND DISEASE, TYPE II; VWD, TYPE 2; VON WILLEBRAND DISEASE, TYPE 2A/IIE; VON WILLEBRAND DISEASE, TYPE 2CB. Identifiers: Orphanet 166081, Orphanet 903, MedGen C1264040, MONDO:0013304, OMIM 613554.

Submissions (3):

Mayo Clinic Laboratories, Mayo Clinic
Classification: Likely pathogenic. Last evaluated: 2025-11-17. Review status: criteria provided, single submitter. Criteria: ACMG Guidelines, 2015. Collection method: clinical testing. Allele origin: germline. Observed: 4 variant alleles.
Comment: PM1_supporting, PM2_supporting, PM5, PS4_very_strong

Laboratory of Hematology, Radboud University Medical Center
Classification: Likely pathogenic for von Willebrand disease type 2. Last evaluated: 2022-05-19. Review status: criteria provided, single submitter. Criteria: ACMG Guidelines, 2015. Collection method: research. Allele origin: germline. Affected: yes. Observed: 1 variant allele. Study: WIN study.

Angelo Bianchi Bonomi Hemophilia and Thrombosis Center, Fondazione IRCCS Ca Granda Ospedale Maggiore Policlinico
Classification: Uncertain significance for von Willebrand disease type 2. Last evaluated: 2022-04-26. Review status: no assertion criteria provided. Collection method: clinical testing. Allele origin: germline. Affected: yes. Not counted in ClinVar's aggregate classification.

Literature cited by the submitters: PubMed 20088930 (cited by Mayo Clinic Laboratories, Mayo Clinic); PubMed 26791163 (cited by Mayo Clinic Laboratories, Mayo Clinic); PubMed 26986123 (cited by Mayo Clinic Laboratories, Mayo Clinic); PubMed 31240882 (cited by Mayo Clinic Laboratories, Mayo Clinic); PubMed 39002731 (cited by Mayo Clinic Laboratories, Mayo Clinic); PubMed 40393667 (cited by Mayo Clinic Laboratories, Mayo Clinic).